The following is an entry in ClinVar:

NM_007194.4(CHEK2):c.1198G>C (p.Gly400Arg)

Gene: CHEK2 (checkpoint kinase 2; minus strand). Cytogenetic location: 22q12.1.
Variant type: single nucleotide variant.
Coding change: c.1198G>C on transcript NM_007194.4 (MANE Select); coding-DNA position 1198, G replaced by C.
Protein change: p.Gly400Arg; replaces glycine 400 with arginine.
Molecular consequence: missense variant.
Genome position (GRCh38, 1-based): chr22:28,695,771, C>G on the plus strand (G>C on the coding strand, the complement: CHEK2 is on the minus strand). VCF-style: chr22-28695771-C-G. GRCh37 (hg19) VCF-style: chr22-29091759-C-G.
Other names: c.1327G>C, p.Gly443Arg (NM_001005735.3); c.535G>C, p.Gly179Arg (NM_001257387.3, NM_001437942.1); c.997G>C, p.Gly333Arg (NM_001349956.3); c.1291G>C, p.Gly431Arg (NM_001438293.1); c.1240G>C, p.Gly414Arg (NM_001438294.1); c.1204G>C, p.Gly402Arg (NM_001438295.1); c.1111G>C, p.Gly371Arg (NM_145862.3); short protein forms G400R, G414R, G179R, G402R, G333R, G431R, G371R, G443R.
Identifiers: ClinVar variation 4824799 (VCV004824799.1).
Genomic context (GRCh38, chr22:28,695,771, plus strand): 5'-AGATAAAAAGAATAACTCCTAAACTCCAGCAGTCCACAGCACGGTTATACCCAGCAGTCC[C>G]AACAGAAACAAGAACTTCAGGCGCCAAGTAGGTGGGGGTTCCACATAAGGTTCTCATGAG-3'
Protein context (NP_009125.1, residues 390-410): YLAPEVLVSV[Gly400Arg]TAGYNRAVDC

ClinVar aggregate classification (germline): Uncertain significance (1 of 4 stars; one submission).

Conditions:
Hereditary cancer-predisposing syndrome. Also called: Neoplastic Syndromes, Hereditary; Hereditary neoplastic syndrome; Tumor predisposition; Hereditary Cancer Syndrome. Identifiers: Orphanet 140162, MedGen C0027672, MeSH D009386, MONDO:0015356.

Submission:

Ambry Genetics
Classification: Uncertain significance for Hereditary cancer-predisposing syndrome. Last evaluated: 2026-02-16. Review status: criteria provided, single submitter. Criteria: Ambry Variant Classification Scheme 2023. Collection method: clinical testing. Allele origin: germline.
Comment: The p.G400R variant (also known as c.1198G>C), located in coding exon 10 of the CHEK2 gene, results from a G to C substitution at nucleotide position 1198. The glycine at codon 400 is replaced by arginine, an amino acid with dissimilar properties. This amino acid position is conserved. In addition, this alteration is predicted to be tolerated by in silico analysis. Based on the available evidence, the clinical significance of this variant remains unclear.